The following is an entry in ClinVar:

NM_001034853.2(RPGR):c.620-2A>G

Gene: RPGR (retinitis pigmentosa GTPase regulator; minus strand). Cytogenetic location: Xp11.4.
Variant type: single nucleotide variant.
Coding change: c.620-2A>G on transcript NM_001034853.2 (MANE Select); the canonical splice acceptor site of the intron before coding-DNA position 620, A replaced by G.
Molecular consequence: splice acceptor variant. On other transcripts: intron variant (2).
Genome position (GRCh38, 1-based): chrX:38,310,775, T>C on the plus strand (A>G on the coding strand, the complement: RPGR is on the minus strand). VCF-style: chrX-38310775-T-C. GRCh37 (hg19) VCF-style: chrX-38170028-T-C.
Other names: c.617-2A>G (NM_001367249.1); c.620-5A>G (NM_001367250.1, NM_001367245.1); c.620-2A>G (NM_001367251.1, NM_001367246.1, NM_001367247.1 and 1 more transcripts); c.650-2A>G (NM_001367248.1).
Identifiers: ClinVar variation 2110430 (VCV002110430.5), dbSNP rs138313492, ClinGen allele CA10385611.
Genomic context (GRCh38, chrX:38,310,775, plus strand): 5'-ATTGGGAAGACCTAACTTCCCATTCTCAGGTTCTCCAAACACATATAGCTCACCATCTGC[T>C]ATTGAAGGAAAAGTATAGTGATTAGTGATGACATACATATGAACAAAAAGCTGGTCTTAC-3'

ClinVar aggregate classification (germline): Likely pathogenic. Review status: criteria provided, multiple submitters, no conflicts (2 of 4 stars). 2 submissions from 2 submitters: Likely pathogenic (2). Last evaluated 2025-03-25.

Conditions:
Retinitis pigmentosa, X-linked, and sinorespiratory infections, with or without deafness (RPSRDF). Identifiers: Orphanet 247522, MedGen C2749137, OMIM 300455.
Macular degeneration, X-linked atrophic. Identifiers: Orphanet 1872, MedGen C3151784, MONDO:0010443, OMIM 300834.
X-linked cone-rod dystrophy 1 (CORDX1). Identifiers: Orphanet 1872, MedGen C1844776, MONDO:0010566, OMIM 304020.
Retinitis pigmentosa 3. Also called: CHOROIDORETINAL DEGENERATION WITH RETINAL REFLEX IN HETEROZYGOUS WOMEN. Identifiers: Orphanet 791, MedGen C1845667, MONDO:0010227, OMIM 300029.
Primary ciliary dyskinesia. Also called: Ciliary dyskinesia. Identifiers: Orphanet 244, MedGen C0008780, MONDO:0016575, HP:0012265.

Allele frequency attached by ClinVar (database versions not stated): ExAC 0.00001; ESP Exome Variant Server 0.00009.

Submissions (2):

Labcorp Genetics (formerly Invitae), Labcorp
Classification: Likely pathogenic for Primary ciliary dyskinesia. Last evaluated: 2025-03-25. Review status: criteria provided, single submitter. Criteria: Invitae Variant Classification Sherloc (09022015). Collection method: clinical testing. Allele origin: germline.
Comment: This sequence change affects an acceptor splice site in intron 6 of the RPGR gene. It is expected to disrupt RNA splicing. Variants that disrupt the donor or acceptor splice site typically lead to a loss of protein function (PMID: 16199547), and loss-of-function variants in RPGR are known to be pathogenic (PMID: 16055928, 16969763). This variant is not present in population databases (gnomAD no frequency). This variant has not been reported in the literature in individuals affected with RPGR-related conditions. ClinVar contains an entry for this variant (Variation ID: 2110430). Algorithms developed to predict the effect of sequence changes on RNA splicing suggest that this variant may disrupt the consensus splice site. In summary, the currently available evidence indicates that the variant is pathogenic, but additional data are needed to prove that conclusively. Therefore, this variant has been classified as Likely Pathogenic.

Fulgent Genetics
Classification: Likely pathogenic for Retinitis pigmentosa 3; Retinitis pigmentosa, X-linked, and sinorespiratory infections, with or without deafness; Macular degeneration, X-linked atrophic; X-linked cone-rod dystrophy 1. Last evaluated: 2024-05-07. Review status: criteria provided, single submitter. Criteria: ACMG Guidelines, 2015. Collection method: clinical testing. Allele origin: germline.

Literature cited by the submitters: PubMed 16199547 (cited by Labcorp Genetics (formerly Invitae), Labcorp); PubMed 16055928 (cited by Labcorp Genetics (formerly Invitae), Labcorp); PubMed 16969763 (cited by Labcorp Genetics (formerly Invitae), Labcorp).